The following is an entry in ClinVar:

NM_022725.4(FANCF):c.815C>T (p.Pro272Leu)

Gene: FANCF (FA complementation group F; minus strand). Cytogenetic location: 11p14.3.
Variant type: single nucleotide variant.
Coding change: c.815C>T on transcript NM_022725.4 (MANE Select); coding-DNA position 815, C replaced by T.
Protein change: p.Pro272Leu; replaces proline 272 with leucine.
Molecular consequence: missense variant.
Genome position (GRCh38, 1-based): chr11:22,624,996, G>A on the plus strand (C>T on the coding strand, the complement: FANCF is on the minus strand). VCF-style: chr11-22624996-G-A. GRCh37 (hg19) VCF-style: chr11-22646542-G-A.
Other names: short protein forms P272L.
Identifiers: ClinVar variation 3704342 (VCV003704342.2).

ClinVar aggregate classification (germline): Uncertain significance (1 of 4 stars; one submission).

Conditions:
Fanconi anemia (FA). Also called: Fanconi's anemia. Identifiers: Orphanet 84, MedGen C0015625, MeSH D005199, MONDO:0019391.

Submission:

Labcorp Genetics (formerly Invitae), Labcorp
Classification: Uncertain significance for Fanconi anemia. Last evaluated: 2025-04-07. Review status: criteria provided, single submitter. Criteria: Invitae Variant Classification Sherloc (09022015). Collection method: clinical testing. Allele origin: germline.
Comment: This sequence change replaces proline, which is neutral and non-polar, with leucine, which is neutral and non-polar, at codon 272 of the FANCF protein (p.Pro272Leu). This variant is present in population databases (no rsID available, gnomAD 0.006%). This variant has not been reported in the literature in individuals affected with FANCF-related conditions. ClinVar contains an entry for this variant (Variation ID: 3704342). Invitae Evidence Modeling of protein sequence and biophysical properties (such as structural, functional, and spatial information, amino acid conservation, physicochemical variation, residue mobility, and thermodynamic stability) indicates that this missense variant is not expected to disrupt FANCF protein function with a negative predictive value of 80%. In summary, the available evidence is currently insufficient to determine the role of this variant in disease. Therefore, it has been classified as a Variant of Uncertain Significance.